The following is an entry in ClinVar:

ClinVar aggregate classification (germline): Uncertain significance. Review status: criteria provided, multiple submitters, no conflicts (2 of 4 stars). 3 submissions from 3 submitters: Uncertain significance (3). Last evaluated 2024-03-15.

Conditions:
SRP72-related disorder. Also called: SRP72-related condition.

Allele frequency attached by ClinVar (database versions not stated): TOPMed below 0.00001; gnomAD 0.00001.
gnomAD v4.1: 1 of 1,613,730 alleles (0.000062%); highest among the groups gnomAD compares: Non-Finnish European, 0.000085%; no homozygotes.

Submissions (3):

GeneDx
Classification: Uncertain significance. Last evaluated: 2024-03-15. Review status: criteria provided, single submitter. Criteria: GeneDx Variant Classification Process June 2021. Collection method: clinical testing. Allele origin: germline. Affected: yes.
Comment: Not observed at significant frequency in large population cohorts (gnomAD); Has not been previously published as pathogenic or benign to our knowledge; In silico analysis is inconclusive as to whether the variant alters gene splicing. In the absence of RNA/functional studies, the actual effect of this sequence change is unknown.

Labcorp Genetics (formerly Invitae), Labcorp
Classification: Uncertain significance. Last evaluated: 2023-10-24. Review status: criteria provided, single submitter. Criteria: Invitae Variant Classification Sherloc (09022015). Collection method: clinical testing. Allele origin: germline.
Comment: This sequence change affects codon 484 of the SRP72 mRNA. It is a 'silent' change, meaning that it does not change the encoded amino acid sequence of the SRP72 protein. This variant is not present in population databases (gnomAD no frequency). This variant has not been reported in the literature in individuals affected with SRP72-related conditions. ClinVar contains an entry for this variant (Variation ID: 2442672). Algorithms developed to predict the effect of sequence changes on RNA splicing suggest that this variant may disrupt the consensus splice site. In summary, the available evidence is currently insufficient to determine the role of this variant in disease. Therefore, it has been classified as a Variant of Uncertain Significance.

PreventionGenetics, part of Exact Sciences
Classification: Uncertain significance for SRP72-related condition. Last evaluated: 2022-10-20. Review status: criteria provided, single submitter. Criteria: ACMG Guidelines, 2015. Collection method: clinical testing. Allele origin: germline.
Comment: The SRP72 c.1452G>A variant is not predicted to result in an amino acid change (p.=). Several splicing prediction programs indicate that this variant may lead to creation of a novel splice acceptor site (Alamut Visual Plus 3.1). To our knowledge, this variant has not been reported in the literature or in a large population database, indicating this variant is rare. At this time, the clinical significance of this variant is uncertain due to the absence of conclusive functional and genetic evidence.

NM_006947.4(SRP72):c.1452G>A (p.Leu484=)

Gene: SRP72 (signal recognition particle 72; plus strand). Cytogenetic location: 4q12.
Variant type: single nucleotide variant.
Coding change: c.1452G>A on transcript NM_006947.4 (MANE Select); coding-DNA position 1452, G replaced by A.
Protein change: p.Leu484=; no amino-acid change (leucine 484 retained).
Molecular consequence: synonymous variant. On other transcripts: non-coding transcript variant (1).
Genome position (GRCh38, 1-based): chr4:56,490,595, G>A. VCF-style: chr4-56490595-G-A. GRCh37 (hg19) VCF-style: chr4-57356761-G-A.
Other names: c.1269G>A, p.Leu423= (NM_001267722.2).
Identifiers: ClinVar variation 2442672 (VCV002442672.6), dbSNP rs1487021292, ClinGen allele CA439504889.
Genomic context (GRCh38, chr4:56,490,595, plus strand): 5'-ACAGTTCAATAATTTTCTTATTTCTTCTTTTAGACAAAATCCAAAAGATATTCACACCCT[G>A]GCACAGCTTATTTCTGCTTACTCACTTGTAGATCCAGAGAAAGCCAAAGCGTATCCTTTT-3'
Protein context (NP_008878.3, residues 474-494): WKQNPKDIHT[Leu484=]AQLISAYSLV